The following is an entry in ClinVar:

ClinVar aggregate classification (germline): Uncertain significance (1 of 4 stars; one submission).

Allele frequency attached by ClinVar (database versions not stated): TOPMed 0.00001.

Submission:

Labcorp Genetics (formerly Invitae), Labcorp
Classification: Uncertain significance. Last evaluated: 2021-08-30. Review status: criteria provided, single submitter. Criteria: Invitae Variant Classification Sherloc (09022015). Collection method: clinical testing. Allele origin: germline.
Comment: This sequence change replaces valine with alanine at codon 691 of the RASGRP1 protein (p.Val691Ala). The valine residue is weakly conserved and there is a small physicochemical difference between valine and alanine. This variant is not present in population databases (ExAC no frequency). This variant has not been reported in the literature in individuals affected with RASGRP1-related conditions. Algorithms developed to predict the effect of missense changes on protein structure and function output the following: SIFT: "Tolerated"; PolyPhen-2: "Benign"; Align-GVGD: "Class C0". The alanine amino acid residue is found in multiple mammalian species, which suggests that this missense change does not adversely affect protein function. In summary, the available evidence is currently insufficient to determine the role of this variant in disease. Therefore, it has been classified as a Variant of Uncertain Significance.

NM_005739.4(RASGRP1):c.2072T>C (p.Val691Ala)

Gene: RASGRP1 (RAS guanyl releasing protein 1; minus strand). Cytogenetic location: 15q14.
Variant type: single nucleotide variant.
Coding change: c.2072T>C on transcript NM_005739.4 (MANE Select); coding-DNA position 2072, T replaced by C.
Protein change: p.Val691Ala; replaces valine 691 with alanine.
Molecular consequence: missense variant. On other transcripts: intron variant (1).
Genome position (GRCh38, 1-based): chr15:38,494,569, A>G on the plus strand (T>C on the coding strand, the complement: RASGRP1 is on the minus strand). VCF-style: chr15-38494569-A-G. GRCh37 (hg19) VCF-style: chr15-38786770-A-G.
Other names: c.1967T>C, p.Val656Ala (NM_001128602.2); c.1769-3881T>C (NM_001306086.2); short protein forms V691A, V656A.
Identifiers: ClinVar variation 1524685 (VCV001524685.5), dbSNP rs1595816643, ClinGen allele CA391662093.
Genomic context (GRCh38, chr15:38,494,569, plus strand): 5'-GAGGTGGGACTGGGAAGCACATATAGAGTATCCTGGGCTGTCTTCCTTGGGGAAGACAGC[A>G]CAAAGGGACCTGAAGGGCCCTCACTGCCAATCCAAGGCTGTGATTCAGTCTGGGTGGCCT-3'
Protein context (NP_005730.2, residues 681-701): IGSEGPSGPF[Val691Ala]LSSPRKTAQD